The following is an entry in ClinVar:

NM_020655.4(JPH3):c.570C>T (p.Ala190=)

Gene: JPH3 (junctophilin 3; plus strand). Cytogenetic location: 16q24.2.
Variant type: single nucleotide variant.
Coding change: c.570C>T on transcript NM_020655.4 (MANE Select); coding-DNA position 570, C replaced by T.
Protein change: p.Ala190=; no amino-acid change (alanine 190 retained).
Molecular consequence: synonymous variant. On other transcripts: non-coding transcript variant (1).
Genome position (GRCh38, 1-based): chr16:87,644,445, C>T. VCF-style: chr16-87644445-C-T. GRCh37 (hg19) VCF-style: chr16-87678051-C-T.
Identifiers: ClinVar variation 3047367 (VCV003047367.2), dbSNP rs370408306, ClinGen allele CA8220765.
Genomic context (GRCh38, chr16:87,644,445, plus strand): 5'-GCACACCAACGGCACGGCGCTGCATCCCGACGCCTCTCCGGCGGTGGCCGGCAGCCCGGC[C>T]GTGTCCCGCGGGGGCTTCGTGCTCGTGGCCCACAGTGACTCCGAGATCCTCAAGAGCAAG-3'
Protein context (NP_065706.2, residues 180-200): DASPAVAGSP[Ala190=]VSRGGFVLVA

ClinVar aggregate classification (germline): Likely benign (0 of 4 stars; one submission).

Conditions:
JPH3-related disorder. Also called: JPH3-related condition.

Allele frequency attached by ClinVar (database versions not stated): ESP Exome Variant Server 0.00008; ExAC 0.00015; gnomAD 0.00015.
gnomAD v4.1: 213 of 1,612,292 alleles (0.013%); highest among the groups gnomAD compares: Middle Eastern, 0.082%; no homozygotes.

Submission:

PreventionGenetics, part of Exact Sciences
Classification: Likely benign for JPH3-related condition. Last evaluated: 2019-03-18. Review status: no assertion criteria provided. Collection method: clinical testing. Allele origin: germline.
Comment: This variant is classified as likely benign based on ACMG/AMP sequence variant interpretation guidelines (Richards et al. 2015 PMID: 25741868, with internal and published modifications).